The following is an entry in ClinVar:

NC_000022.11:g.40346371G>C

Gene: ADSL (adenylosuccinate lyase; plus strand). Cytogenetic location: 22q13.1.
Variant type: single nucleotide variant.
Genome position: GRCh38 VCF-style: chr22-40346371-G-C. GRCh37 (hg19) VCF-style: chr22-40742375-G-C.
Identifiers: ClinVar variation 1445988 (VCV001445988.4), dbSNP rs777987980, ClinGen allele CA324446825.

ClinVar aggregate classification (germline): Uncertain significance (1 of 4 stars; one submission).

Conditions:
Adenylosuccinate lyase deficiency (ADSLD). Also called: ADSL DEFICIENCY. Identifiers: Orphanet 46, MedGen C0268126, MONDO:0007068, OMIM 103050.

Allele frequency attached by ClinVar (database versions not stated): gnomAD 0.00011 and 0.00012; TOPMed 0.00015; gnomAD exomes 0.00016.

Submission:

Labcorp Genetics (formerly Invitae), Labcorp
Classification: Uncertain significance for Adenylosuccinate lyase deficiency. Last evaluated: 2024-10-30. Review status: criteria provided, single submitter. Criteria: Invitae Variant Classification Sherloc (09022015). Collection method: clinical testing. Allele origin: germline.
Comment: This variant occurs in a non-coding region of the ADSL gene. It does not change the encoded amino acid sequence of the ADSL protein. This variant is present in population databases (rs777987980, gnomAD 0.03%). This variant has not been reported in the literature in individuals affected with ADSL-related conditions. Experimental studies and prediction algorithms are not available or were not evaluated, and the functional significance of this variant is currently unknown. In summary, the available evidence is currently insufficient to determine the role of this variant in disease. Therefore, it has been classified as a Variant of Uncertain Significance.